The following is an entry in ClinVar:

NM_080680.3(COL11A2):c.3016G>A (p.Gly1006Ser)

Gene: COL11A2 (collagen type XI alpha 2 chain; minus strand). Cytogenetic location: 6p21.32.
Variant type: single nucleotide variant.
Coding change: c.3016G>A on transcript NM_080680.3 (MANE Select); coding-DNA position 3016, G replaced by A.
Protein change: p.Gly1006Ser; replaces glycine 1006 with serine.
Molecular consequence: missense variant.
Genome position (GRCh38, 1-based): chr6:33,172,076, C>T on the plus strand (G>A on the coding strand, the complement: COL11A2 is on the minus strand). VCF-style: chr6-33172076-C-T. GRCh37 (hg19) VCF-style: chr6-33139853-C-T.
Other names: c.2836G>A, p.Gly946Ser (NM_001424108.1); c.2170G>A, p.Gly724Ser (NM_001424109.1); c.1990G>A, p.Gly664Ser (NM_001424110.1, NM_001424111.1); c.970G>A, p.Gly324Ser (NM_001424112.1); c.2695G>A, p.Gly899Ser (NM_080679.3); c.2758G>A, p.Gly920Ser (NM_080681.3); short protein forms G664S, G899S, G1006S, G920S, G324S, G724S, G946S.
Identifiers: ClinVar variation 4747734 (VCV004747734.1).

ClinVar aggregate classification (germline): Uncertain significance (1 of 4 stars; one submission).

gnomAD v4.1: 3 of 1,613,050 alleles (0.00019%); highest among the groups gnomAD compares: East Asian, 0.0045%; no homozygotes.

Submission:

Labcorp Genetics (formerly Invitae), Labcorp
Classification: Uncertain significance. Last evaluated: 2025-08-16. Review status: criteria provided, single submitter. Criteria: Invitae Variant Classification Sherloc (09022015). Collection method: clinical testing. Allele origin: germline.
Comment: This sequence change replaces glycine, which is neutral and non-polar, with serine, which is neutral and polar, at codon 1006 of the COL11A2 protein (p.Gly1006Ser). This variant is present in population databases (no rsID available, gnomAD 0.006%). This variant has not been reported in the literature in individuals affected with COL11A2-related conditions. Invitae Evidence Modeling of protein sequence and biophysical properties (such as structural, functional, and spatial information, amino acid conservation, physicochemical variation, residue mobility, and thermodynamic stability) indicates that this missense variant is expected to disrupt COL11A2 protein function with a positive predictive value of 95%. In summary, the available evidence is currently insufficient to determine the role of this variant in disease. Therefore, it has been classified as a Variant of Uncertain Significance.